The following is an entry in ClinVar:

ClinVar aggregate classification (germline): Uncertain significance. Review status: criteria provided, multiple submitters, no conflicts (2 of 4 stars). 2 submissions from 2 submitters: Uncertain significance (2). Last evaluated 2024-10-17.

Conditions:
Spastic paraplegia. Identifiers: MedGen C0037772, HP:0001258.

Allele frequency attached by ClinVar (database versions not stated): gnomAD 0.00001; gnomAD exomes 0.00001 and 0.00006; TOPMed 0.00002; ExAC 0.00007.

Submissions (2):

Labcorp Genetics (formerly Invitae), Labcorp
Classification: Uncertain significance for Spastic paraplegia. Last evaluated: 2024-10-17. Review status: criteria provided, single submitter. Criteria: Invitae Variant Classification Sherloc (09022015). Collection method: clinical testing. Allele origin: germline.
Comment: This sequence change replaces alanine, which is neutral and non-polar, with threonine, which is neutral and polar, at codon 78 of the ARSI protein (p.Ala78Thr). This variant is present in population databases (rs763003022, gnomAD 0.09%), and has an allele count higher than expected for a pathogenic variant. This variant has not been reported in the literature in individuals affected with ARSI-related conditions. ClinVar contains an entry for this variant (Variation ID: 1447322). Invitae Evidence Modeling of protein sequence and biophysical properties (such as structural, functional, and spatial information, amino acid conservation, physicochemical variation, residue mobility, and thermodynamic stability) has been performed for this missense variant. However, the output from this modeling did not meet the statistical confidence thresholds required to predict the impact of this variant on ARSI protein function. In summary, the available evidence is currently insufficient to determine the role of this variant in disease. Therefore, it has been classified as a Variant of Uncertain Significance.

Ambry Genetics
Classification: Uncertain significance. Last evaluated: 2023-05-18. Review status: criteria provided, single submitter. Criteria: Ambry Variant Classification Scheme 2023. Collection method: clinical testing. Allele origin: germline.

NM_001012301.4(ARSI):c.232G>A (p.Ala78Thr)

Gene: ARSI (arylsulfatase family member I; minus strand). Cytogenetic location: 5q32.
Variant type: single nucleotide variant.
Coding change: c.232G>A on transcript NM_001012301.4 (MANE Select); coding-DNA position 232, G replaced by A.
Protein change: p.Ala78Thr; replaces alanine 78 with threonine.
Molecular consequence: missense variant.
Genome position (GRCh38, 1-based): chr5:150,302,142, C>T on the plus strand (G>A on the coding strand, the complement: ARSI is on the minus strand). VCF-style: chr5-150302142-C-T. GRCh37 (hg19) VCF-style: chr5-149681705-C-T.
Other names: c.232G>A (NM_001012301.2); short protein forms A78T.
Identifiers: ClinVar variation 1447322 (VCV001447322.11), dbSNP rs763003022, ClinGen allele CA3510383.